The following is an entry in ClinVar:

ClinVar aggregate classification (germline): Likely benign (1 of 4 stars; one submission).

Submission:

Mayo Clinic Laboratories, Mayo Clinic
Classification: Likely benign. Last evaluated: 2025-01-13. Review status: criteria provided, single submitter. Criteria: ACMG Guidelines, 2015. Collection method: clinical testing. Allele origin: germline. Observed: 1 variant allele.
Comment: BP4, BP7

NM_000435.3(NOTCH3):c.75G>A (p.Arg25=)

Gene: NOTCH3 (notch receptor 3; minus strand). Cytogenetic location: 19p13.12.
Variant type: single nucleotide variant.
Coding change: c.75G>A on transcript NM_000435.3 (MANE Select); coding-DNA position 75, G replaced by A.
Protein change: p.Arg25=; no amino-acid change (arginine 25 retained).
Molecular consequence: synonymous variant.
Genome position (GRCh38, 1-based): chr19:15,200,831, C>T on the plus strand (G>A on the coding strand, the complement: NOTCH3 is on the minus strand). VCF-style: chr19-15200831-C-T. GRCh37 (hg19) VCF-style: chr19-15311642-C-T.
Other names: p.Arg25=.
Identifiers: ClinVar variation 4684329 (VCV004684329.1).